The following is an entry in ClinVar:

NM_020937.4(FANCM):c.3659T>C (p.Ile1220Thr)

Gene: FANCM (FA complementation group M; plus strand). Cytogenetic location: 14q21.2.
Variant type: single nucleotide variant.
Coding change: c.3659T>C on transcript NM_020937.4 (MANE Select); coding-DNA position 3659, T replaced by C.
Protein change: p.Ile1220Thr; replaces isoleucine 1220 with threonine.
Molecular consequence: missense variant.
Genome position (GRCh38, 1-based): chr14:45,176,413, T>C. VCF-style: chr14-45176413-T-C. GRCh37 (hg19) VCF-style: chr14-45645616-T-C.
Other names: c.3581T>C, p.Ile1194Thr (NM_001308133.2); short protein forms I1194T, I1220T.
Identifiers: ClinVar variation 4871124 (VCV004871124.1).

ClinVar aggregate classification (germline): Uncertain significance (1 of 4 stars; one submission).

Conditions:
Inborn genetic diseases. Identifiers: MedGen C0950123, MeSH D030342.

Submission:

Ambry Genetics
Classification: Uncertain significance for Inborn genetic diseases. Last evaluated: 2026-05-14. Review status: criteria provided, single submitter. Criteria: Ambry Variant Classification Scheme 2023. Collection method: clinical testing. Allele origin: germline.
Comment: The p.I1220T variant (also known as c.3659T>C), located in coding exon 14 of the FANCM gene, results from a T to C substitution at nucleotide position 3659. The isoleucine at codon 1220 is replaced by threonine, an amino acid with similar properties. This amino acid position is conserved. In addition, this alteration is predicted to be tolerated by in silico analysis. Based on the available evidence, the clinical significance of this variant remains unclear.